The following is an entry in ClinVar:

NM_004859.4(CLTC):c.4226A>G (p.Gln1409Arg)

Genes: CLTC (clathrin heavy chain; plus strand), LOC126862609 (CDK7 strongly-dependent group 2 enhancer GRCh37_chr17:57760547-57761746; plus strand). Cytogenetic location: 17q23.1.
Variant type: single nucleotide variant.
Coding change: c.4226A>G on transcript NM_004859.4 (MANE Select); coding-DNA position 4226, A replaced by G.
Protein change: p.Gln1409Arg; replaces glutamine 1409 with arginine.
Molecular consequence: missense variant.
Genome position (GRCh38, 1-based): chr17:59,683,659, A>G. VCF-style: chr17-59683659-A-G. GRCh37 (hg19) VCF-style: chr17-57761020-A-G.
Other names: c.4238A>G, p.Gln1413Arg (NM_001288653.2); short protein forms Q1409R, Q1413R.
Identifiers: ClinVar variation 2123905 (VCV002123905.4), dbSNP rs1452349124, ClinGen allele CA400421103.

ClinVar aggregate classification (germline): Uncertain significance (1 of 4 stars; one submission).

Allele frequency attached by ClinVar (database versions not stated): gnomAD exomes below 0.00001; TOPMed below 0.00001.
gnomAD v4.1: 2 of 1,614,196 alleles (0.00012%); highest among the groups gnomAD compares: South Asian, 0.0011%; no homozygotes.

Submission:

Labcorp Genetics (formerly Invitae), Labcorp
Classification: Uncertain significance. Last evaluated: 2022-05-27. Review status: criteria provided, single submitter. Criteria: Invitae Variant Classification Sherloc (09022015). Collection method: clinical testing. Allele origin: germline.
Comment: This variant is present in population databases (no rsID available, gnomAD 0.003%). This sequence change replaces glutamine, which is neutral and polar, with arginine, which is basic and polar, at codon 1413 of the CLTC protein (p.Gln1413Arg). This variant has not been reported in the literature in individuals affected with CLTC-related conditions. Algorithms developed to predict the effect of missense changes on protein structure and function are either unavailable or do not agree on the potential impact of this missense change (SIFT: "Tolerated"; PolyPhen-2: "Not Available"; Align-GVGD: "Class C0"). In summary, the available evidence is currently insufficient to determine the role of this variant in disease. Therefore, it has been classified as a Variant of Uncertain Significance.